The following is an entry in ClinVar:

ClinVar aggregate classification (germline): Uncertain significance (1 of 4 stars; one submission).

Conditions:
Noonan syndrome 9 (NS9). Identifiers: Orphanet 648, MedGen C4225282, MONDO:0014691, OMIM 616559.

Submission:

Dasa
Classification: Uncertain significance for Noonan syndrome 9. Last evaluated: 2026-01-15. Review status: criteria provided, single submitter. Criteria: DASA Assertion Criteria. Collection method: clinical testing. Allele origin: germline.
Comment: NM_006939.4(SOS2):c.1501G>A (p.Asp501Asn) is a missense variant that results in the substitution of aspartic acid with asparagine. The affected residue or protein region has prior evidence supporting clinical relevance. This variant is absent from population databases. The currently available literature and clinical evidence are not sufficient to establish a definitive association between this variant and the reported condition. Therefore, this variant is classified as a variant of uncertain significance.

NM_006939.4(SOS2):c.1501G>A (p.Asp501Asn)

Gene: SOS2 (SOS Ras/Rho guanine nucleotide exchange factor 2; minus strand). Cytogenetic location: 14q21.3.
Variant type: single nucleotide variant.
Coding change: c.1501G>A on transcript NM_006939.4 (MANE Select); coding-DNA position 1501, G replaced by A.
Protein change: p.Asp501Asn; replaces aspartic acid 501 with asparagine.
Molecular consequence: missense variant.
Genome position (GRCh38, 1-based): chr14:50,159,782, C>T on the plus strand (G>A on the coding strand, the complement: SOS2 is on the minus strand). VCF-style: chr14-50159782-C-T. GRCh37 (hg19) VCF-style: chr14-50626500-C-T.
Other names: c.1402G>A, p.Asp468Asn (NM_001411020.1); short protein forms D468N, D501N.
Identifiers: ClinVar variation 4882976 (VCV004882976.2).
Genomic context (GRCh38, chr14:50,159,782, plus strand): 5'-TGTTCTCATCTTTGGATACTAATTCAAATGCATGCTTGTGCTCACAAGTATCTTCTTTAT[C>T]ACAAATTTGTATTTTCCTCATGACAAATTTTTCTTTTAACCTGTATTCTGCACTACTGTA-3'
Protein context (NP_008870.2, residues 491-511): KFVMRKIQIC[Asp501Asn]KEDTCEHKHA